The following is an entry in ClinVar:

ClinVar aggregate classification (germline): Uncertain significance. Review status: criteria provided, multiple submitters, no conflicts (2 of 4 stars). 2 submissions from 2 submitters: Uncertain significance (2). Last evaluated 2025-09-05.

Conditions:
RASopathy. Also called: Noonan spectrum disorder; rasopathies. Identifiers: Orphanet 536391, MedGen C5555857, MONDO:0021060.

Allele frequency attached by ClinVar (database versions not stated): TOPMed below 0.00001; gnomAD exomes 0.00001.
gnomAD v4.1: 3 of 1,605,936 alleles (0.00019%); highest among the groups gnomAD compares: Non-Finnish European, 0.00025%; no homozygotes.

Submissions (2):

Labcorp Genetics (formerly Invitae), Labcorp
Classification: Uncertain significance for RASopathy. Last evaluated: 2025-09-05. Review status: criteria provided, single submitter. Criteria: Invitae Variant Classification Sherloc (09022015). Collection method: clinical testing. Allele origin: germline.
Comment: This sequence change replaces lysine, which is basic and polar, with arginine, which is basic and polar, at codon 209 of the MAP2K2 protein (p.Lys209Arg). The frequency data for this variant in the population databases is considered unreliable, as metrics indicate poor data quality at this position in the gnomAD database. This variant has not been reported in the literature in individuals affected with MAP2K2-related conditions. ClinVar contains an entry for this variant (Variation ID: 2895554). Invitae Evidence Modeling of protein sequence and biophysical properties (such as structural, functional, and spatial information, amino acid conservation, physicochemical variation, residue mobility, and thermodynamic stability) has been performed for this missense variant. However, the output from this modeling did not meet the statistical confidence thresholds required to predict the impact of this variant on MAP2K2 protein function. In summary, the available evidence is currently insufficient to determine the role of this variant in disease. Therefore, it has been classified as a Variant of Uncertain Significance.

Blueprint Genetics
Classification: Uncertain significance. Last evaluated: 2022-12-02. Review status: criteria provided, single submitter. Criteria: ACMG Guidelines, 2015. Collection method: clinical testing. Allele origin: germline.

NM_030662.4(MAP2K2):c.626A>G (p.Lys209Arg)

Gene: MAP2K2 (mitogen-activated protein kinase kinase 2; minus strand). Cytogenetic location: 19p13.3.
Variant type: single nucleotide variant.
Coding change: c.626A>G on transcript NM_030662.4 (MANE Select); coding-DNA position 626, A replaced by G.
Protein change: p.Lys209Arg; replaces lysine 209 with arginine.
Molecular consequence: missense variant.
Genome position (GRCh38, 1-based): chr19:4,101,098, T>C on the plus strand (A>G on the coding strand, the complement: MAP2K2 is on the minus strand). VCF-style: chr19-4101098-T-C. GRCh37 (hg19) VCF-style: chr19-4101096-T-C.
Other names: short protein forms K209R.
Identifiers: ClinVar variation 2895554 (VCV002895554.4), dbSNP rs1018797594, ClinGen allele CA304449868.